The following is an entry in ClinVar:

ClinVar aggregate classification (germline): Uncertain significance (1 of 4 stars; one submission).

Conditions:
Early-infantile DEE. Also called: Early infantile epileptic encephalopathy; Early infantile epileptic encephalopathy with suppression bursts; Ohtahara syndrome. Identifiers: Orphanet 1934, MedGen C0393706, MONDO:0800491.

Submission:

Labcorp Genetics (formerly Invitae), Labcorp
Classification: Uncertain significance for Early-infantile DEE. Last evaluated: 2023-02-01. Review status: criteria provided, single submitter. Criteria: Invitae Variant Classification Sherloc (09022015). Collection method: clinical testing. Allele origin: germline.
Comment: This sequence change replaces aspartic acid, which is acidic and polar, with asparagine, which is neutral and polar, at codon 689 of the SPTAN1 protein (p.Asp689Asn). This variant is not present in population databases (gnomAD no frequency). This variant has not been reported in the literature in individuals affected with SPTAN1-related conditions. Advanced modeling of protein sequence and biophysical properties (such as structural, functional, and spatial information, amino acid conservation, physicochemical variation, residue mobility, and thermodynamic stability) has been performed at Invitae for this missense variant, however the output from this modeling did not meet the statistical confidence thresholds required to predict the impact of this variant on SPTAN1 protein function. In summary, the available evidence is currently insufficient to determine the role of this variant in disease. Therefore, it has been classified as a Variant of Uncertain Significance.

NM_001130438.3(SPTAN1):c.2065G>A (p.Asp689Asn)

Gene: SPTAN1 (spectrin alpha, non-erythrocytic 1; plus strand). Cytogenetic location: 9q34.11.
Variant type: single nucleotide variant.
Coding change: c.2065G>A on transcript NM_001130438.3 (MANE Select); coding-DNA position 2065, G replaced by A.
Protein change: p.Asp689Asn; replaces aspartic acid 689 with asparagine.
Molecular consequence: missense variant.
Genome position (GRCh38, 1-based): chr9:128,583,841, G>A. VCF-style: chr9-128583841-G-A. GRCh37 (hg19) VCF-style: chr9-131346120-G-A.
Other names: c.2065G>A, p.Asp689Asn (NM_001195532.2, NM_001363759.2, NM_001363765.2 and 5 more transcripts); c.2101G>A, p.Asp701Asn (NM_001375312.2, NM_001375318.1); short protein forms D701N, D689N.
Identifiers: ClinVar variation 2814216 (VCV002814216.3), dbSNP rs1396515590, ClinGen allele CA375056071.